The following is an entry in ClinVar:

NM_007294.4(BRCA1):c.1371del (p.Asp458fs)

Gene: BRCA1 (BRCA1 DNA repair associated; minus strand). Cytogenetic location: 17q21.31.
Variant type: Deletion.
Coding change: c.1371del on transcript NM_007294.4 (MANE Select); coding-DNA position 1371, one base deleted (A; older notation c.1371delA).
Protein change: p.Asp458fs; shifts the reading frame from aspartic acid 458.
Molecular consequence: frameshift variant. On other transcripts: intron variant (137).
Genome position (GRCh38, 1-based): chr17:43,094,160, T deleted on the plus strand (A on the coding strand, the reverse complement: BRCA1 is on the minus strand); the first of 2 consecutive T bases (chr17:43,094,160-43,094,161); deleting either gives the same sequence. VCF-style (leftmost placement, unchanged base first): chr17-43094159-CT-C. GRCh37 (hg19) VCF-style: chr17-41246176-CT-C.
Other names: 1490delA; c.1371delA (NM_007294.3); c.1371del, p.Asp458fs (NM_001407854.1, NM_001407858.1, NM_001407859.1 and 30 more transcripts); c.1368del, p.Asp457fs (NM_001407860.1, NM_001407861.1, NM_001407587.1 and 22 more transcripts); c.1170del, p.Asp391fs (NM_001407862.1); c.1248del, p.Asp417fs (NM_001407863.1, NM_001407919.1, NM_001407937.1 and 19 more transcripts); c.1167del, p.Asp390fs (NM_001407874.1, NM_001407875.1); c.1161del, p.Asp388fs (NM_001407879.1, NM_001407881.1, NM_001407882.1 and 13 more transcripts); and 42 more; short protein forms D411fs, D458fs, D162fs, D390fs, D455fs, D457fs, D290fs, D330fs.
Identifiers: ClinVar variation 54223 (VCV000054223.7), dbSNP rs397508861, ClinGen allele CA000912.

ClinVar aggregate classification (germline): Pathogenic. Review status: reviewed by expert panel (3 of 4 stars). 2 submissions from 2 submitters: Pathogenic (1). 1 of the submissions does not count toward it. Last evaluated 2016-10-18.

Conditions:
Breast-ovarian cancer, familial, susceptibility to, 1 (BROVCA1). Also called: OVARIAN CANCER, SUSCEPTIBILITY TO; BRCA1 Hereditary Breast and Ovarian Cancer. Identifiers: Orphanet 145, MedGen C2676676, MONDO:0011450, OMIM 604370. Disease mechanism: loss of function.

Submissions (2):

Evidence-based Network for the Interpretation of Germline Mutant Alleles (ENIGMA)
Classification: Pathogenic for Breast-ovarian cancer, familial, susceptibility to, 1. Last evaluated: 2016-10-18. Review status: reviewed by expert panel. Criteria: ENIGMA BRCA1/2 Classification Criteria (2015). Collection method: curation. Allele origin: germline.
Comment: Variant allele predicted to encode a truncated non-functional protein.

Consortium of Investigators of Modifiers of BRCA1/2 (CIMBA), c/o University of Cambridge
Classification: Pathogenic for Breast-ovarian cancer, familial, susceptibility to, 1. Last evaluated: 2015-10-02. Review status: criteria provided, single submitter. Criteria: CIMBA Mutation Classification guidelines May 2016. Collection method: clinical testing. Allele origin: germline. Not counted in ClinVar's aggregate classification.